The following is an entry in ClinVar:

NM_001130823.3(DNMT1):c.128A>G (p.Lys43Arg)

Gene: DNMT1 (DNA methyltransferase 1; minus strand). Cytogenetic location: 19p13.2.
Variant type: single nucleotide variant.
Coding change: c.128A>G on transcript NM_001130823.3 (MANE Select); coding-DNA position 128, A replaced by G.
Protein change: p.Lys43Arg; replaces lysine 43 with arginine.
Molecular consequence: missense variant. On other transcripts: 5 prime UTR variant (1).
Genome position (GRCh38, 1-based): chr19:10,180,875, T>C on the plus strand (A>G on the coding strand, the complement: DNMT1 is on the minus strand). VCF-style: chr19-10180875-T-C. GRCh37 (hg19) VCF-style: chr19-10291551-T-C.
Other names: c.128A>G, p.Lys43Arg (NM_001318730.2, NM_001379.4); c.-196A>G (NM_001318731.2); short protein forms K43R.
Identifiers: ClinVar variation 3625893 (VCV003625893.2).

ClinVar aggregate classification (germline): Uncertain significance (1 of 4 stars; one submission).

Conditions:
Hereditary sensory neuropathy-deafness-dementia syndrome. Also called: NEUROPATHY, HEREDITARY SENSORY, WITH HEARING LOSS AND DEMENTIA; HSN IE; Hereditary sensory neuropathy type IE; Hereditary Sensory and Autonomic Neuropathy Type 1E (HSAN1E). Identifiers: Orphanet 456318, MedGen C3279885, MONDO:0013584, OMIM 614116.

gnomAD v4.1: 9 of 1,614,010 alleles (0.00056%); highest among the groups gnomAD compares: Non-Finnish European, 0.000085%; no homozygotes.

Submission:

Labcorp Genetics (formerly Invitae), Labcorp
Classification: Uncertain significance for Hereditary sensory neuropathy-deafness-dementia syndrome. Last evaluated: 2025-01-11. Review status: criteria provided, single submitter. Criteria: Invitae Variant Classification Sherloc (09022015). Collection method: clinical testing. Allele origin: germline.
Comment: This sequence change replaces lysine, which is basic and polar, with arginine, which is basic and polar, at codon 43 of the DNMT1 protein (p.Lys43Arg). This variant is present in population databases (no rsID available, gnomAD 0.02%). This variant has not been reported in the literature in individuals affected with DNMT1-related conditions. An algorithm developed to predict the effect of missense changes on protein structure and function outputs the following: PolyPhen-2: "Benign". The arginine amino acid residue is found in multiple mammalian species, which suggests that this missense change does not adversely affect protein function. In summary, the available evidence is currently insufficient to determine the role of this variant in disease. Therefore, it has been classified as a Variant of Uncertain Significance.